The following is an entry in ClinVar:

NM_001329943.3(KIAA0586):c.1810C>G (p.Gln604Glu)

Gene: KIAA0586 (KIAA0586; plus strand). Cytogenetic location: 14q23.1.
Variant type: single nucleotide variant.
Coding change: c.1810C>G on transcript NM_001329943.3 (MANE Select); coding-DNA position 1810, C replaced by G.
Protein change: p.Gln604Glu; replaces glutamine 604 with glutamic acid.
Molecular consequence: missense variant. On other transcripts: intron variant (1).
Genome position (GRCh38, 1-based): chr14:58,459,996, C>G. VCF-style: chr14-58459996-C-G. GRCh37 (hg19) VCF-style: chr14-58926714-C-G.
Other names: c.1969C>G, p.Gln657Glu (NM_001244189.2); c.1765C>G, p.Gln589Glu (NM_001244190.2); c.1555C>G, p.Gln519Glu (NM_001244191.2, NM_001329945.2, NM_001364700.1 and 1 more transcripts); c.1678C>G, p.Gln560Glu (NM_001244192.2); c.1390C>G, p.Gln464Glu (NM_001244193.2); c.1810C>G, p.Gln604Glu (NM_001329944.2, NM_001329946.2, NM_001329947.2); c.1657-990C>G (NM_014749.5); short protein forms Q519E, Q560E, Q604E, Q464E, Q657E, Q589E.
Identifiers: ClinVar variation 2143347 (VCV002143347.1), dbSNP rs1179023701, ClinGen allele CA389871321.
Genomic context (GRCh38, chr14:58,459,996, plus strand): 5'-ACCAACACACAAGATAAAACTGTCAACAAATCTGTAATTCCAAGAAAACATTCTCAAAAG[C>G]AAATAGAAGAGCATTTTAGAAATCTACCTATGAGGGGCATGCCTGCTTCAAGTTTACAGA-3'
Protein context (NP_001316872.1, residues 594-614): SVIPRKHSQK[Gln604Glu]IEEHFRNLPM

ClinVar aggregate classification (germline): Uncertain significance (1 of 4 stars; one submission).

Conditions:
Joubert syndrome 23 (JBTS23). Identifiers: Orphanet 475, MedGen C4084822, MONDO:0014664, OMIM 616490.
Short-rib thoracic dysplasia 14 with polydactyly (SRTD14). Identifiers: Orphanet 397715, MedGen C4225286, MONDO:0014688, OMIM 616546.

Allele frequency attached by ClinVar (database versions not stated): TOPMed below 0.00001.
gnomAD v4.1: 1 of 1,534,534 alleles (0.000065%); no homozygotes.

Submission:

Labcorp Genetics (formerly Invitae), Labcorp
Classification: Uncertain significance for Joubert syndrome 23; Short-rib thoracic dysplasia 14 with polydactyly. Last evaluated: 2022-10-31. Review status: criteria provided, single submitter. Criteria: Invitae Variant Classification Sherloc (09022015). Collection method: clinical testing. Allele origin: germline.
Comment: This sequence change replaces glutamine, which is neutral and polar, with glutamic acid, which is acidic and polar, at codon 657 of the KIAA0586 protein (p.Gln657Glu). This variant is present in population databases (no rsID available, gnomAD 0.004%). This variant has not been reported in the literature in individuals affected with KIAA0586-related conditions. Advanced modeling of protein sequence and biophysical properties (such as structural, functional, and spatial information, amino acid conservation, physicochemical variation, residue mobility, and thermodynamic stability) performed at Invitae indicates that this missense variant is expected to disrupt KIAA0586 protein function. In summary, the available evidence is currently insufficient to determine the role of this variant in disease. Therefore, it has been classified as a Variant of Uncertain Significance.